The following is an entry in ClinVar:

NM_004606.5(TAF1):c.551G>T (p.Ser184Ile)

Gene: TAF1 (TATA-box binding protein associated factor 1; plus strand). Cytogenetic location: Xq13.1.
Variant type: single nucleotide variant.
Coding change: c.551G>T on transcript NM_004606.5 (MANE Select); coding-DNA position 551, G replaced by T.
Protein change: p.Ser184Ile; replaces serine 184 with isoleucine.
Molecular consequence: missense variant. On other transcripts: non-coding transcript variant (9).
Genome position (GRCh38, 1-based): chrX:71,377,028, G>T. VCF-style: chrX-71377028-G-T. GRCh37 (hg19) VCF-style: chrX-70596878-G-T.
Other names: c.551G>T, p.Ser184Ile (NM_001286074.2); c.488G>T, p.Ser163Ile (NM_138923.4); short protein forms S163I, S184I.
Identifiers: ClinVar variation 2429206 (VCV002429206.3), dbSNP rs2520123747, ClinGen allele CA413506035.
Genomic context (GRCh38, chrX:71,377,028, plus strand): 5'-GCATCATCTTGCCCTCCATCATTGCCCCTTCCTCTTTGGCCTCAGAGAAAGTGGACTTCA[G>T]TAGTTCCTCTGACTCAGAATCTGAGATGGGACCTCAGGAAGCAACACAGGCAGAATCTGA-3'
Protein context (NP_004597.3, residues 174-194): SSLASEKVDF[Ser184Ile]SSSDSESEMG

ClinVar aggregate classification (germline): Uncertain significance (1 of 4 stars; one submission).

Submission:

Women's Health and Genetics/Laboratory Corporation of America, LabCorp
Classification: Uncertain significance. Last evaluated: 2023-01-24. Review status: criteria provided, single submitter. Criteria: LabCorp Variant Classification Summary - May 2015. Collection method: clinical testing. Allele origin: germline.
Comment: Variant summary: TAF1 c.611G>T (p.Ser204Ile) results in a non-conservative amino acid change in the encoded protein sequence. Two of four in-silico tools predict a benign effect of the variant on protein function. The variant was absent in 183387 control chromosomes (gnomAD). The available data on variant occurrences in the general population are insufficient to allow any conclusion about variant significance. To our knowledge, no occurrence of c.611G>T in individuals affected with Mental Retardation, X-Linked, Syndromic 33 and no experimental evidence demonstrating its impact on protein function have been reported. No clinical diagnostic laboratories have submitted clinical-significance assessments for this variant to ClinVar after 2014. Based on the evidence outlined above, the variant was classified as uncertain significance.